The following is an entry in ClinVar:

NM_000226.4(KRT9):c.571A>G (p.Lys191Glu)

Gene: KRT9 (keratin 9; minus strand). Cytogenetic location: 17q21.2.
Variant type: single nucleotide variant.
Coding change: c.571A>G on transcript NM_000226.4 (MANE Select); coding-DNA position 571, A replaced by G.
Protein change: p.Lys191Glu; replaces lysine 191 with glutamic acid.
Molecular consequence: missense variant.
Genome position (GRCh38, 1-based): chr17:41,571,422, T>C on the plus strand (A>G on the coding strand, the complement: KRT9 is on the minus strand). VCF-style: chr17-41571422-T-C. GRCh37 (hg19) VCF-style: chr17-39727674-T-C.
Other names: short protein forms K191E.
Identifiers: ClinVar variation 3381607 (VCV003381607.1).

ClinVar aggregate classification (germline): Uncertain significance (1 of 4 stars; one submission).

Submission:

GeneDx
Classification: Uncertain significance. Last evaluated: 2024-05-22. Review status: criteria provided, single submitter. Criteria: GeneDx Variant Classification Process June 2021. Collection method: clinical testing. Allele origin: germline. Affected: yes.
Comment: Not observed at significant frequency in large population cohorts (gnomAD); In silico analysis supports that this missense variant has a deleterious effect on protein structure/function; Has not been previously published as pathogenic or benign to our knowledge